The following is an entry in ClinVar:

ClinVar aggregate classification (germline): Benign. Review status: criteria provided, multiple submitters, no conflicts (2 of 4 stars). 3 submissions from 3 submitters: Benign (3). Last evaluated 2026-01-31.

Conditions:
Neurodegeneration with brain iron accumulation 6 (NBIA6). Also called: COASY protein-associated neurodegeneration. Identifiers: Orphanet 397725, MedGen C4517377, MONDO:0014290, OMIM 615643.

Allele frequency attached by ClinVar (database versions not stated): gnomAD 0.00092; TOPMed 0.00099; 1000 Genomes Project 30x 0.00359; 1000 Genomes Project 0.00379.
gnomAD v4.1: 1,033 of 1,614,122 alleles (0.064%); highest among the groups gnomAD compares: East Asian, 2%; 13 homozygotes.

Submissions (3):

Labcorp Genetics (formerly Invitae), Labcorp
Classification: Benign for Neurodegeneration with brain iron accumulation 6. Last evaluated: 2026-01-31. Review status: criteria provided, single submitter. Criteria: Invitae Variant Classification Sherloc (09022015). Collection method: clinical testing. Allele origin: germline.

Mayo Clinic Laboratories, Mayo Clinic
Classification: Benign. Last evaluated: 2025-06-16. Review status: criteria provided, single submitter. Criteria: ACMG Guidelines, 2015. Collection method: clinical testing. Allele origin: germline. Observed: 1 variant allele.
Comment: BA1

GeneDx
Classification: Benign. Last evaluated: 2017-12-08. Review status: criteria provided, single submitter. Criteria: GeneDx Variant Classification (06012015). Collection method: clinical testing. Allele origin: germline. Affected: yes.
Comment: This variant is considered likely benign or benign based on one or more of the following criteria: it is a conservative change, it occurs at a poorly conserved position in the protein, it is predicted to be benign by multiple in silico algorithms, and/or has population frequency not consistent with disease.

NM_025233.7(COASY):c.885G>C (p.Gly295=)

Gene: COASY (Coenzyme A synthase; plus strand). Cytogenetic location: 17q21.2.
Variant type: single nucleotide variant.
Coding change: c.885G>C on transcript NM_025233.7 (MANE Select); coding-DNA position 885, G replaced by C.
Protein change: p.Gly295=; no amino-acid change (glycine 295 retained).
Molecular consequence: synonymous variant.
Genome position (GRCh38, 1-based): chr17:42,564,145, G>C. VCF-style: chr17-42564145-G-C. GRCh37 (hg19) VCF-style: chr17-40716163-G-C.
Other names: p.Gly295=; c.885G>C, p.Gly295= (NM_001042529.3); c.972G>C, p.Gly324= (NM_001042532.4).
Identifiers: ClinVar variation 516963 (VCV000516963.13), dbSNP rs144328390, ClinGen allele CA8578088.
Genomic context (GRCh38, chr17:42,564,145, plus strand): 5'-CGCTGGCTCTGACCCCTCCCTGGAGTTCCTGGTGGTCAGCGAGGAGACCTATCGTGGGGG[G>C]ATGGCCATCAACCGCTTCCGCCTTGAGAATGTAACCCCTGAGGGAGACTGGCAGAGGGAG-3'
Protein context (NP_079509.5, residues 285-305): LVVSEETYRG[Gly295=]MAINRFRLEN